The following is an entry in ClinVar:

NM_177438.3(DICER1):c.4555del (p.Glu1519fs)

Gene: DICER1 (dicer 1, ribonuclease III; minus strand). Cytogenetic location: 14q32.13.
Variant type: Deletion.
Coding change: c.4555del on transcript NM_177438.3 (MANE Select); coding-DNA position 4555, one base deleted (G; older notation c.4555delG).
Protein change: p.Glu1519fs; shifts the reading frame from glutamic acid 1519.
Molecular consequence: frameshift variant.
Genome position (GRCh38, 1-based): chr14:95,096,365, C deleted on the plus strand (G on the coding strand, the reverse complement: DICER1 is on the minus strand). VCF-style (leftmost placement, unchanged base first): chr14-95096364-TC-T. GRCh37 (hg19) VCF-style: chr14-95562701-TC-T.
Other names: c.4555delG (NM_177438.2); c.4555del, p.Glu1519fs (NM_001195573.1, NM_001271282.3, NM_001291628.2 and 1 more transcripts); short protein forms E1519fs.
Identifiers: ClinVar variation 429119 (VCV000429119.8), dbSNP rs1131691194, ClinGen allele CA645369615.
Genomic context (GRCh38, chr14:95,096,364, plus strand): 5'-GTGTCAACACCACAGTTTTCTTCTGATGGATTCCAGAACCCCACCACAAAGTCATCTTCT[TC>T]AACAGCTTTGCTAGGATCCAGATAGCACATTGCATCCCAAGAGCTGTAGTCAAAATCCTC-3'

ClinVar aggregate classification (germline): Pathogenic. Review status: criteria provided, multiple submitters, no conflicts (2 of 4 stars). 2 submissions from 2 submitters: Pathogenic (2). Last evaluated 2019-07-01.

Conditions:
DICER1-related tumor predisposition. Also called: DICER1-related pleuropulmonary blastoma cancer predisposition syndrome; DICER1 syndrome. Identifiers: Orphanet 284343, MedGen C3839822, MONDO:0100216.
Hereditary cancer-predisposing syndrome. Also called: Hereditary neoplastic syndrome; Tumor predisposition; Neoplastic Syndromes, Hereditary; Hereditary Cancer Syndrome. Identifiers: Orphanet 140162, MedGen C0027672, MeSH D009386, MONDO:0015356.

Submissions (2):

Foulkes Cancer Genetics LDI, Lady Davis Institute for Medical Research
Classification: Pathogenic for Pleuropulmonary blastoma. Last evaluated: 2019-07-01. Review status: criteria provided, single submitter. Criteria: ACMG Guidelines, 2015. Collection method: curation. Allele origin: germline. Affected: yes. Observed: 1 variant allele.
Comment: ACMG criteria met: PVS1, PM2, PP4

Ambry Genetics
Classification: Pathogenic for Hereditary cancer-predisposing syndrome. Last evaluated: 2016-04-18. Review status: criteria provided, single submitter. Criteria: Ambry Variant Classification Scheme 2023. Collection method: clinical testing. Allele origin: germline.
Comment: The c.4555delG pathogenic mutation, located in coding exon 22 of the DICER1 gene, results from a deletion of one nucleotide at nucleotide position 4555, causing a translational frameshift with a predicted alternate stop codon. Since frameshifts are typically deleterious in nature, this alteration is interpreted as a disease-causing mutation (ACMG Recommendations for Standards for Interpretation and Reporting of Sequence Variations. Revision 2007. Genet Med. 2008;10:294).

Literature cited by the submitters: PubMed 23868280 (cited by Foulkes Cancer Genetics LDI, Lady Davis Institute for Medical Research).